The following is an entry in ClinVar:

ClinVar aggregate classification (germline): Uncertain significance (1 of 4 stars; one submission).

Allele frequency attached by ClinVar (database versions not stated): TOPMed below 0.00001; gnomAD 0.00001.
gnomAD v4.1: 2 of 1,613,412 alleles (0.00012%); highest among the groups gnomAD compares: South Asian, 0.0011%; no homozygotes.

Submission:

GeneDx
Classification: Uncertain significance. Last evaluated: 2022-06-04. Review status: criteria provided, single submitter. Criteria: GeneDx Variant Classification Process June 2021. Collection method: clinical testing. Allele origin: germline. Affected: yes.
Comment: Not observed at significant frequency in large population cohorts (gnomAD); In silico analysis supports that this missense variant has a deleterious effect on protein structure/function; Has not been previously published as pathogenic or benign to our knowledge

NM_005061.3(RPL3L):c.691G>T (p.Val231Phe)

Gene: RPL3L (ribosomal protein L3 like; minus strand). Cytogenetic location: 16p13.3.
Variant type: single nucleotide variant.
Coding change: c.691G>T on transcript NM_005061.3 (MANE Select); coding-DNA position 691, G replaced by T.
Protein change: p.Val231Phe; replaces valine 231 with phenylalanine.
Molecular consequence: missense variant.
Genome position (GRCh38, 1-based): chr16:1,947,096, C>A on the plus strand (G>T on the coding strand, the complement: RPL3L is on the minus strand). VCF-style: chr16-1947096-C-A. GRCh37 (hg19) VCF-style: chr16-1997097-C-A.
Other names: short protein forms V231F.
Identifiers: ClinVar variation 1802091 (VCV001802091.1), dbSNP rs1157241329, ClinGen allele CA394255183.
Genomic context (GRCh38, chr16:1,947,096, plus strand): 5'-CCTTGCGCAGGCCCTTATGGGTCTTCCGCGGCAGCTTCTTGGTATGCCAGCGGCTTGTGA[C>A]CCCTGTGAGTGAGAGGGGCTGGTGGCTGAGAGGCCAGGCTGGTCCCCACTGCCTCCAGGC-3'
Protein context (NP_005052.1, residues 221-241): AVTKGRGVKG[Val231Phe]TSRWHTKKLP